The following is an entry in ClinVar:

ClinVar aggregate classification (germline): Uncertain significance (1 of 4 stars; one submission).

Conditions:
Epilepsy, X-linked 1, with variable learning disabilities and behavior disorders. Also called: X-linked epilepsy-learning disabilities-behavior disorders syndrome. Identifiers: Orphanet 85294, MedGen C5774177, MONDO:0010339, OMIM 300491.

Submission:

Labcorp Genetics (formerly Invitae), Labcorp
Classification: Uncertain significance for Epilepsy, X-linked 1, with variable learning disabilities and behavior disorders. Last evaluated: 2024-12-15. Review status: criteria provided, single submitter. Criteria: Invitae Variant Classification Sherloc (09022015). Collection method: clinical testing. Allele origin: germline.
Comment: This variant, c.956_964del, results in the deletion of 3 amino acid(s) of the SYN1 protein (p.Ile319_Gln321del), but otherwise preserves the integrity of the reading frame. This variant is not present in population databases (gnomAD no frequency). This variant has not been reported in the literature in individuals affected with SYN1-related conditions. Experimental studies and prediction algorithms are not available or were not evaluated, and the functional significance of this variant is currently unknown. In summary, the available evidence is currently insufficient to determine the role of this variant in disease. Therefore, it has been classified as a Variant of Uncertain Significance.

NM_006950.3(SYN1):c.956_964del (p.Ile319_Gln321del)

Gene: SYN1 (synapsin I; minus strand). Cytogenetic location: Xp11.3.
Variant type: Deletion.
Coding change: c.956_964del on transcript NM_006950.3 (MANE Select); coding-DNA positions 956 to 964, 9 bases deleted (TTGGGCAGA; older notation c.956_964delTTGGGCAGA).
Protein change: p.Ile319_Gln321del.
Genome position (GRCh38, 1-based): chrX:47,576,514-47,576,522, TCTGCCCAA deleted on the plus strand (TTGGGCAGA on the coding strand, the reverse complement: SYN1 is on the minus strand); deleting any 9 consecutive bases within chrX:47,576,514-47,576,525 gives the same sequence; the c. name uses the placement nearest the transcript's 3' end. VCF-style (leftmost placement, unchanged base first): chrX-47576513-TTCTGCCCAA-T. GRCh37 (hg19) VCF-style: chrX-47435912-TTCTGCCCAA-T.
Other names: c.956_964del, p.Ile319_Gln321del (NM_133499.2).
Identifiers: ClinVar variation 3727305 (VCV003727305.2).